The following is an entry in ClinVar:

NM_020631.6(PLEKHG5):c.34C>A (p.Pro12Thr)

Genes: PLEKHG5 (pleckstrin homology and RhoGEF domain containing G5; minus strand), LOC126805598 (MED14-independent group 3 enhancer GRCh37_chr1:6536823-6538022; plus strand). Cytogenetic location: 1p36.31.
Variant type: single nucleotide variant.
Coding change: c.34C>A on transcript NM_020631.6 (MANE Select); coding-DNA position 34, C replaced by A.
Protein change: p.Pro12Thr; replaces proline 12 with threonine.
Molecular consequence: missense variant.
Genome position (GRCh38, 1-based): chr1:6,477,538, G>T on the plus strand (C>A on the coding strand, the complement: PLEKHG5 is on the minus strand). VCF-style: chr1-6477538-G-T. GRCh37 (hg19) VCF-style: chr1-6537598-G-T.
Other names: c.145C>A, p.Pro49Thr (NM_001042663.3, NM_001265592.2); c.34C>A, p.Pro12Thr (NM_001042664.2, NM_001042665.2, NM_001265594.3 and 1 more transcripts); c.241C>A, p.Pro81Thr (NM_001265593.2); short protein forms P12T, P81T, P49T.
Identifiers: ClinVar variation 246031 (VCV000246031.94), dbSNP rs140687324, ClinGen allele CA562038.
Genomic context (GRCh38, chr1:6,477,538, plus strand): 5'-CACTGACACAGGAGCTCTGGGGGCCGAGCTGCGGCTCCCGCCTGTGCTCACCTTGTGGGG[G>T]AAGGTCGAAGCGGACATGCCCATCATAATGCATGGTGCTGTGGAACTTGCTGTCACAGGC-3'
Protein context (NP_065682.2, residues 2-22): HYDGHVRFDL[Pro12Thr]PQGSVLARNV

ClinVar aggregate classification (germline): Benign/Likely benign. Review status: criteria provided, multiple submitters, no conflicts (2 of 4 stars). 9 submissions from 8 submitters: Benign (2); Likely benign (6). 1 of the submissions does not count toward it. Last evaluated 2026-07-01.

Conditions:
PLEKHG5-related disorder. Also called: PLEKHG5-related condition.
Inborn genetic diseases. Identifiers: MedGen C0950123, MeSH D030342.
Charcot-Marie-Tooth disease recessive intermediate C. Also called: CHARCOT-MARIE-TOOTH NEUROPATHY, RECESSIVE INTERMEDIATE C. Identifiers: Orphanet 369867, MedGen C3809309, MONDO:0014154, OMIM 615376.
Neuronopathy, distal hereditary motor, autosomal recessive 4. Also called: Autosomal recessive lower motor neuron disease with childhood onset; NEUROPATHY, DISTAL HEREDITARY MOTOR, AUTOSOMAL RECESSIVE 4. Identifiers: Orphanet 206580, MedGen C1970211, MONDO:0012608, OMIM 611067.

Allele frequency attached by ClinVar (database versions not stated): gnomAD 0.00021 and 0.00037; TOPMed 0.00023; ESP Exome Variant Server 0.00031; 1000 Genomes Project 0.00080; 1000 Genomes Project 30x 0.00094; ExAC 0.00143.
gnomAD v4.1: 1,097 of 1,611,942 alleles (0.068%); highest among the groups gnomAD compares: South Asian, 0.83%; 15 homozygotes.

Submissions (9):

CeGaT Center for Human Genetics Tuebingen
Classification: Likely benign. Last evaluated: 2026-07-01. Review status: criteria provided, single submitter. Criteria: CeGaT Center For Human Genetics Tuebingen Variant Classification Criteria Version 2. Collection method: clinical testing. Allele origin: germline. Affected: yes. Observed: 5 variant alleles.
Comment: PLEKHG5: BP4, BS2

Labcorp Genetics (formerly Invitae), Labcorp
Classification: Benign for Neuronopathy, distal hereditary motor, autosomal recessive 4; Charcot-Marie-Tooth disease recessive intermediate C. Last evaluated: 2026-01-28. Review status: criteria provided, single submitter. Criteria: Invitae Variant Classification Sherloc (09022015). Collection method: clinical testing. Allele origin: germline.

Genome-Nilou Lab
Classification: Likely benign for Charcot-Marie-Tooth disease recessive intermediate C. Last evaluated: 2023-04-11. Review status: criteria provided, single submitter. Criteria: ACMG Guidelines, 2015. Collection method: clinical testing. Allele origin: germline. Affected: no.

Genome-Nilou Lab
Classification: Likely benign for Neuronopathy, distal hereditary motor, autosomal recessive 4. Last evaluated: 2023-04-11. Review status: criteria provided, single submitter. Criteria: ACMG Guidelines, 2015. Collection method: clinical testing. Allele origin: germline. Affected: no.

Department of Pathology and Laboratory Medicine, Sinai Health System
Classification: Likely benign for Neuronopathy, distal hereditary motor, autosomal recessive 4; Charcot-Marie-Tooth disease recessive intermediate C. Last evaluated: 2022-03-07. Review status: criteria provided, single submitter. Criteria: ACMG Guidelines, 2015. Collection method: research. Allele origin: germline.

Ambry Genetics
Classification: Likely benign for Inborn genetic diseases. Last evaluated: 2021-11-09. Review status: criteria provided, single submitter. Criteria: Ambry Variant Classification Scheme 2023. Collection method: clinical testing. Allele origin: germline.

GeneDx
Classification: Benign. Last evaluated: 2018-05-16. Review status: criteria provided, single submitter. Criteria: GeneDx Variant Classification Process June 2021. Collection method: clinical testing. Allele origin: germline. Affected: yes.

Illumina Laboratory Services, Illumina
Classification: Likely benign for Neuronopathy, distal hereditary motor, autosomal recessive 4. Last evaluated: 2018-01-13. Review status: criteria provided, single submitter. Criteria: ICSL Variant Classification Criteria 13 December 2019. Collection method: clinical testing. Allele origin: germline.
Comment: This variant was observed in the ICSL laboratory as part of a predisposition screen in an ostensibly healthy population. It had not been previously curated by ICSL or reported in the Human Gene Mutation Database (HGMD: prior to June 1st, 2018), and was therefore a candidate for classification through an automated scoring system. Utilizing variant allele frequency, disease prevalence and penetrance estimates, and inheritance mode, an automated score was calculated to assess if this variant is too frequent to cause the disease. Based on the score and internal cut-off values, a variant classified as likely benign is not then subjected to further curation. The score for this variant resulted in a classification of likely benign for this disease.

PreventionGenetics, part of Exact Sciences
Classification: Benign for PLEKHG5-related condition. Last evaluated: 2019-08-09. Review status: no assertion criteria provided. Collection method: clinical testing. Allele origin: germline. Not counted in ClinVar's aggregate classification.
Comment: This variant is classified as benign based on ACMG/AMP sequence variant interpretation guidelines (Richards et al. 2015 PMID: 25741868, with internal and published modifications).